The following is an entry in ClinVar:

NM_004963.4(GUCY2C):c.572A>G (p.Tyr191Cys)

Genes: GUCY2C (guanylate cyclase 2C; minus strand), GUCY2C-AS1 (GUCY2C antisense RNA 1; plus strand). Cytogenetic location: 12p12.3.
Variant type: single nucleotide variant.
Coding change: c.572A>G on transcript NM_004963.4 (MANE Select); coding-DNA position 572, A replaced by G.
Protein change: p.Tyr191Cys; replaces tyrosine 191 with cysteine.
Molecular consequence: missense variant.
Genome position (GRCh38, 1-based): chr12:14,683,081, T>C on the plus strand (A>G on the coding strand, the complement: GUCY2C is on the minus strand). VCF-style: chr12-14683081-T-C. GRCh37 (hg19) VCF-style: chr12-14836015-T-C.
Other names: short protein forms Y191C.
Identifiers: ClinVar variation 2813445 (VCV002813445.3), dbSNP rs2497801338, ClinGen allele CA384006150.

ClinVar aggregate classification (germline): Uncertain significance (1 of 4 stars; one submission).

Submission:

Labcorp Genetics (formerly Invitae), Labcorp
Classification: Uncertain significance. Last evaluated: 2024-02-05. Review status: criteria provided, single submitter. Criteria: Invitae Variant Classification Sherloc (09022015). Collection method: clinical testing. Allele origin: germline.
Comment: This sequence change replaces tyrosine, which is neutral and polar, with cysteine, which is neutral and slightly polar, at codon 191 of the GUCY2C protein (p.Tyr191Cys). This variant is not present in population databases (gnomAD no frequency). This variant has not been reported in the literature in individuals affected with GUCY2C-related conditions. Advanced modeling of protein sequence and biophysical properties (such as structural, functional, and spatial information, amino acid conservation, physicochemical variation, residue mobility, and thermodynamic stability) performed at Invitae indicates that this missense variant is expected to disrupt GUCY2C protein function with a positive predictive value of 80%. In summary, the available evidence is currently insufficient to determine the role of this variant in disease. Therefore, it has been classified as a Variant of Uncertain Significance.